The following is an entry in ClinVar:

ClinVar aggregate classification (germline): Likely pathogenic. Review status: criteria provided, single submitter (1 of 4 stars). 2 submissions from 2 submitters: Likely pathogenic (1). 1 of the submissions does not count toward it. Last evaluated 2025-10-10.

Conditions:
Tay-Sachs disease (TSD). Also called: HEXA Disorders; HEXA DEFICIENCY; Hexosaminidase A Deficiency; GM2 gangliosidosis, type 1; Hexosaminidase alpha-subunit deficiency (variant B); Sphingolipidosis, Tay-Sachs. Identifiers: Orphanet 845, MedGen C0039373, MONDO:0010100, OMIM 272800.

Submissions (2):

Natera, Inc.
Classification: Likely pathogenic for Tay-Sachs disease. Last evaluated: 2025-10-10. Review status: criteria provided, single submitter. Criteria: Natera Variant Classification Schema (03/2026). Collection method: clinical testing. Allele origin: germline.
Comment: The c.1214_1215delAAinsG variant in HEXA is a frameshift variant predicted to shift the reading frame beginning at codon 405 and leads to a stop codon 18 codons downstream. This variant is expected to result in nonsense mediated decay, truncation, or a dysfunctional protein product. This variant is rare in the general population with a frequency below the threshold expected for the associated phenotype(s). Given the available evidence, this variant is classified as Likely Pathogenic.

Counsyl
Classification: Likely pathogenic for Tay-Sachs disease. Last evaluated: 2018-04-13. Review status: no assertion criteria provided. Collection method: clinical testing. Allele origin: unknown. Not counted in ClinVar's aggregate classification.

NM_000520.6(HEXA):c.1214_1215delinsG (p.Glu405fs)

Gene: HEXA (hexosaminidase subunit alpha; minus strand). Cytogenetic location: 15q23.
Variant type: Indel.
Coding change: c.1214_1215delinsG on transcript NM_000520.6 (MANE Select); coding-DNA positions 1214 to 1215, AA replaced by G.
Protein change: p.Glu405fs; shifts the reading frame from glutamic acid 405.
Molecular consequence: frameshift variant.
Genome position (GRCh38, 1-based): chr15:72,346,642-72,346,643, TT replaced by C on the plus strand (AA replaced by G on the coding strand, the reverse complement: HEXA is on the minus strand). VCF-style: chr15-72346642-TT-C. GRCh37 (hg19) VCF-style: chr15-72638983-TT-C.
Other names: c.1247_1248delinsG, p.Glu416fs (NM_001318825.2); c.1214_1215delAAinsG (NM_000520.5); short protein forms E416fs, E405fs.
Identifiers: ClinVar variation 557877 (VCV000557877.3), dbSNP rs1555472432, ClinGen allele CA491117513.
Genomic context (GRCh38, chr15:72,346,642, plus strand): 5'-TATACGGTTCAGGTACCAGGGGGCAGAGAGAAGGGCCCGGAAGCCGGCCTTGGTGACCAG[TT>C]CCAGCTCCTTCATATAGTTCACTGGAATATCCTCTCGCCACACCTGTATGATTGTGTCTG-3'